The following is an entry in ClinVar:

NM_182493.3(MYLK3):c.1120G>A (p.Gly374Ser)

Gene: MYLK3 (myosin light chain kinase 3; minus strand). Cytogenetic location: 16q11.2.
Variant type: single nucleotide variant.
Coding change: c.1120G>A on transcript NM_182493.3 (MANE Select); coding-DNA position 1120, G replaced by A.
Protein change: p.Gly374Ser; replaces glycine 374 with serine.
Molecular consequence: missense variant.
Genome position (GRCh38, 1-based): chr16:46,732,550, C>T on the plus strand (G>A on the coding strand, the complement: MYLK3 is on the minus strand). VCF-style: chr16-46732550-C-T. GRCh37 (hg19) VCF-style: chr16-46766462-C-T.
Other names: c.97G>A, p.Gly33Ser (NM_001308301.1); short protein forms G33S, G374S.
Identifiers: ClinVar variation 1962592 (VCV001962592.5), dbSNP rs776930306, ClinGen allele CA8038070.
Genomic context (GRCh38, chr16:46,732,550, plus strand): 5'-GGGTCTGTTCTCCGGGCTCAGTCCCAGGGGCTTGGAGGCAGCGCCCGGTCCCAGGTGGGC[C>T]CTGCTTGCCTGGCTGGGCAGCTGCTGGAGCCTCTGTGGTGAGGGTGGGTCCAAGGCTGCC-3'
Protein context (NP_872299.2, residues 364-384): APAAAQPGKQ[Gly374Ser]PPGTGRCLQA

ClinVar aggregate classification (germline): Uncertain significance (1 of 4 stars; one submission).

Allele frequency attached by ClinVar (database versions not stated): gnomAD exomes below 0.00001; ExAC 0.00001.
gnomAD v4.1: 2 of 1,601,272 alleles (0.00012%); highest among the groups gnomAD compares: Admixed American, 0.0017%; no homozygotes.

Submission:

Labcorp Genetics (formerly Invitae), Labcorp
Classification: Uncertain significance. Last evaluated: 2022-12-14. Review status: criteria provided, single submitter. Criteria: Invitae Variant Classification Sherloc (09022015). Collection method: clinical testing. Allele origin: germline.
Comment: This sequence change replaces glycine, which is neutral and non-polar, with serine, which is neutral and polar, at codon 374 of the MYLK3 protein (p.Gly374Ser). This variant is not present in population databases (gnomAD no frequency). This variant has not been reported in the literature in individuals affected with MYLK3-related conditions. Algorithms developed to predict the effect of missense changes on protein structure and function (SIFT, PolyPhen-2, Align-GVGD) all suggest that this variant is likely to be tolerated. In summary, the available evidence is currently insufficient to determine the role of this variant in disease. Therefore, it has been classified as a Variant of Uncertain Significance.